The following is an entry in ClinVar:

NM_017739.4(POMGNT1):c.1342G>C (p.Gly448Arg)

Genes: POMGNT1 (protein O-linked mannose N-acetylglucosaminyltransferase 1 (beta 1,2-); minus strand), TSPAN1 (tetraspanin 1; plus strand). Cytogenetic location: 1p34.1.
Variant type: single nucleotide variant.
Coding change: c.1342G>C on transcript NM_017739.4 (MANE Select); coding-DNA position 1342, G replaced by C.
Protein change: p.Gly448Arg; replaces glycine 448 with arginine.
Molecular consequence: missense variant.
Genome position (GRCh38, 1-based): chr1:46,192,379, C>G on the plus strand (G>C on the coding strand, the complement: POMGNT1 is on the minus strand). VCF-style: chr1-46192379-C-G. GRCh37 (hg19) VCF-style: chr1-46658051-C-G.
Other names: NM_017739.4(POMGNT1):c.1342G>C; p.Gly448Arg; c.1342G>C, p.Gly448Arg (NM_001243766.2, NM_001410783.1); c.1276G>C, p.Gly426Arg (NM_001290129.3); c.913G>C, p.Gly305Arg (NM_001290130.2); short protein forms G448R, G426R, G305R.
Identifiers: ClinVar variation 56580 (VCV000056580.16), dbSNP rs386834014, ClinGen allele CA263945.

ClinVar aggregate classification (germline): Conflicting classifications of pathogenicity. Review status: criteria provided, conflicting classifications (1 of 4 stars). 10 submissions from 10 submitters: Pathogenic (2); Likely pathogenic (6); Uncertain significance (1). 1 of the submissions does not count toward it. Last evaluated 2026-01-29.

Conditions:
Autosomal recessive limb-girdle muscular dystrophy type 2O. Also called: MUSCULAR DYSTROPHY-DYSTROGLYCANOPATHY (LIMB-GIRDLE), TYPE C, 3; MUSCULAR DYSTROPHY-DYSTROGLYCANOPATHY, LIMB-GIRDLE, POMGNT1-RELATED; Limb-Girdle Muscular Dystrophy Type 3C. Identifiers: Orphanet 206564, MedGen C3150417, MONDO:0013161, OMIM 613157.
Muscular dystrophy-dystroglycanopathy (congenital with impaired intellectual development), type B, 3. Also called: Muscular dystrophy-dystroglycanopathy (congenital with intellectual disability), type B3; MUSCULAR DYSTROPHY, CONGENITAL, POMGNT1-RELATED. Identifiers: MedGen C3150412, MONDO:0013155, OMIM 613151.
Retinitis pigmentosa 76 (RP76). Identifiers: MedGen C4310704, MONDO:0014929, OMIM 617123.
Muscular dystrophy-dystroglycanopathy (congenital with brain and eye anomalies), type A3. Also called: Muscular dystrophy-dystroglycanopathy (congenital with brain and eye anomalies), type A, 3; Congenital muscular dystrophy-dystroglycanopathy with brain and eye anomalies, type A3; WALKER-WARBURG SYNDROME OR MUSCLE-EYE-BRAIN DISEASE, POMGNT1-RELATED. Identifiers: MedGen C3151519, MONDO:0009667, OMIM 253280.
Muscular dystrophy-dystroglycanopathy. Also called: Congenital muscular dystrophy due to dystroglycanopathy. Identifiers: Orphanet 370953, MedGen C5679911, MONDO:0018276.
POMGNT1-related disorder. Also called: POMGNT1-related condition; POMGNT1-related disorders. Identifiers: MedGen CN239299.
Muscle eye brain disease (MEB). Also called: Santavuori congenital muscular dystrophy. Identifiers: Orphanet 588, Orphanet 899, MedGen C0457133, MONDO:0018939.

Allele frequency attached by ClinVar (database versions not stated): gnomAD exomes below 0.00001 and 0.00005; ExAC 0.00001; gnomAD 0.00001; TOPMed 0.00001.
gnomAD v4.1: 77 of 1,614,106 alleles (0.0048%); highest among the groups gnomAD compares: Non-Finnish European, 0.0062%; no homozygotes.

Submissions (10):

Labcorp Genetics (formerly Invitae), Labcorp
Classification: Likely pathogenic for Autosomal recessive limb-girdle muscular dystrophy type 2O; Muscular dystrophy-dystroglycanopathy (congenital with impaired intellectual development), type B, 3. Last evaluated: 2026-01-29. Review status: criteria provided, single submitter. Criteria: Invitae Variant Classification Sherloc (09022015). Collection method: clinical testing. Allele origin: germline.
Comment: This sequence change replaces glycine, which is neutral and non-polar, with arginine, which is basic and polar, at codon 448 of the POMGNT1 protein (p.Gly448Arg). This variant is present in population databases (rs386834014, gnomAD 0.008%). This missense change has been observed in individual(s) with clinical features of muscular dystrophy-dystroglycanopathy (PMID: 21727005, 38444904). In at least one individual the data is consistent with being in trans (on the opposite chromosome) from a pathogenic variant. ClinVar contains an entry for this variant (Variation ID: 56580). Invitae Evidence Modeling of protein sequence and biophysical properties (such as structural, functional, and spatial information, amino acid conservation, physicochemical variation, residue mobility, and thermodynamic stability) indicates that this missense variant is expected to disrupt POMGNT1 protein function with a positive predictive value of 95%. In summary, the currently available evidence indicates that the variant is pathogenic, but additional data are needed to prove that conclusively. Therefore, this variant has been classified as Likely Pathogenic.

GeneDx
Classification: Likely pathogenic. Last evaluated: 2025-03-26. Review status: criteria provided, single submitter. Criteria: GeneDx Variant Classification Process June 2021. Collection method: clinical testing. Allele origin: germline.
Comment: Seen with a second pathogenic variant, phase unknown, in a patient with a cobblestone brain malformation (PMID: 38444904); Not observed at significant frequency in large population cohorts (gnomAD); In silico analysis supports that this missense variant has a deleterious effect on protein structure/function; This variant is associated with the following publications: (PMID: 34758253, 21727005, 38444904, 31964843, 23894383)

Natera, Inc.
Classification: Likely pathogenic for Muscle-eye-brain disease. Last evaluated: 2025-03-11. Review status: criteria provided, single submitter. Criteria: Natera Variant Classification Schema (03/2026). Collection method: clinical testing. Allele origin: germline.
Comment: The c.1342G>C variant in POMGNT1 is a missense variant predicted to cause substitution of glycine to arginine at amino acid 448. This variant is rare in the general population with a frequency below the threshold expected for the associated phenotype(s). This variant has been observed in one or more individuals affected with the associated recessive disease, as either homozygous or compound heterozygous with a second variant (PMID: 23894383, 21727005, 38444904). Computational prediction algorithms indicate this variant is likely to affect gene or protein function. Given the available evidence, this variant is classified as Likely Pathogenic.

Revvity Omics, Revvity
Classification: Likely pathogenic. Last evaluated: 2025-01-27. Review status: criteria provided, single submitter. Criteria: ACMG Guidelines, 2015. Collection method: clinical testing. Allele origin: germline.

Fulgent Genetics
Classification: Likely pathogenic for Muscular dystrophy-dystroglycanopathy (congenital with brain and eye anomalies), type A3; Muscular dystrophy-dystroglycanopathy (congenital with impaired intellectual development), type B, 3; Autosomal recessive limb-girdle muscular dystrophy type 2O; Retinitis pigmentosa 76. Last evaluated: 2024-01-31. Review status: criteria provided, single submitter. Criteria: ACMG Guidelines, 2015. Collection method: clinical testing. Allele origin: germline.

Baylor Genetics
Classification: Likely pathogenic for Muscular dystrophy-dystroglycanopathy (congenital with brain and eye anomalies), type A3. Last evaluated: 2023-06-25. Review status: criteria provided, single submitter. Criteria: ACMG Guidelines, 2015. Collection method: clinical testing. Allele origin: unknown.

Broad Center for Mendelian Genomics, Broad Institute of MIT and Harvard
Classification: Uncertain significance for Muscular dystrophy-dystroglycanopathy. Last evaluated: 2023-01-24. Review status: criteria provided, single submitter. Criteria: ACMG Guidelines, 2015. Collection method: curation. Allele origin: germline. Inheritance: Autosomal recessive inheritance.
Comment: The p.Gly448Arg variant in POMGNT1 has been previously reported in the literature in 2 individuals with muscular dystrophy-dystroglycanopathy (PMID: 21727005, DOI: 10.1371/journal.pone.0068958), and has been identified in 0.006% (1/16250) of African/African American chromosomes by the Genome Aggregation Database (gnomAD; dbSNP ID: rs386834014). Although this variant has been seen in the general population in a heterozygous state, its frequency is low enough to be consistent with a recessive carrier frequency. This variant has also been reported in ClinVar (Variation ID#:56580) as pathogenic by Juha Muilu Group (Institute for Molecular Medicine Finland (FIMM)) and Genomics England Pilot Project (Genomics England). Of the 2 affected individuals, one was a compound heterozygote who carried a pathogenic variant in trans , which increases the likelihood that the p.Gly448Arg variant is pathogenic (PMID: 21727005). Computational prediction tools and conservation analyses suggest that this variant may impact the protein, though this information is not predictive enough to determine pathogenicity. In summary, the clinical significance of the p.Arg488Gln variant is uncertain. ACMG/AMP Criteria applied: PM2_Supporting, PM3, PP3 (Richards 2015).

Blueprint Genetics
Classification: Pathogenic for POMGNT1-related disorders. Last evaluated: 2022-11-29. Review status: criteria provided, single submitter. Criteria: ACMG Guidelines, 2015. Collection method: clinical testing. Allele origin: germline. Affected: yes. Observed: 4 variant alleles.

Genomics England Pilot Project, Genomics England
Classification: Pathogenic for Retinitis pigmentosa 76. Review status: criteria provided, single submitter. Criteria: ACGS Guidelines, 2016. Collection method: clinical testing. Allele origin: germline. Affected: yes.

Juha Muilu Group; Institute for Molecular Medicine Finland (FIMM)
Classification: Likely pathogenic for Muscle eye brain disease. Review status: no assertion criteria provided. Collection method: not provided. Allele origin: unknown. Not counted in ClinVar's aggregate classification.
Comment: FinDis database variant: This variant was not found or characterized by our laboratory, data were collected from public sources: see reference
ClinVar note: Converted during submission from probable-pathogenic to Likely pathogenic.

Literature cited by the submitters: PubMed 21727005 (cited by Labcorp Genetics (formerly Invitae), Labcorp and Natera, Inc.); PubMed 38444904 (cited by Labcorp Genetics (formerly Invitae), Labcorp and Natera, Inc.); PubMed 23894383 (cited by Natera, Inc.).